The following is an entry in ClinVar:

ClinVar aggregate classification (germline): Benign/Likely benign. Review status: criteria provided, multiple submitters, no conflicts (2 of 4 stars). 7 submissions from 7 submitters: Benign (6); Likely benign (1). Last evaluated 2026-01-05.

Conditions:
Collagen 6-related myopathy. Identifiers: MedGen CN117976, MONDO:0100225.
Bethlem myopathy 1A. Also called: MYOPATHY, BENIGN CONGENITAL, WITH CONTRACTURES; Bethlem Muscular Dystrophy; Bethlem myopathy 1. Identifiers: Orphanet 610, MedGen CN029274, MONDO:0024530, OMIM 158810.

Allele frequency attached by ClinVar (database versions not stated): gnomAD exomes 0.00076; ExAC 0.00123; 1000 Genomes Project 30x 0.00312; ESP Exome Variant Server 0.00315; TOPMed 0.00325; 1000 Genomes Project 0.00339; gnomAD 0.00363.
gnomAD v4.1: 989 of 1,609,800 alleles (0.061%); highest among the groups gnomAD compares: African/African-American, 1.2%; 9 homozygotes.

Submissions (7):

Labcorp Genetics (formerly Invitae), Labcorp
Classification: Benign for Bethlem myopathy 1A. Last evaluated: 2026-01-05. Review status: criteria provided, single submitter. Criteria: Invitae Variant Classification Sherloc (09022015). Collection method: clinical testing. Allele origin: germline.

Blueprint Genetics
Classification: Likely benign. Last evaluated: 2024-10-07. Review status: criteria provided, single submitter. Criteria: ACMG Guidelines, 2015. Collection method: clinical testing. Allele origin: germline.

Athena Diagnostics
Classification: Benign. Last evaluated: 2024-06-11. Review status: criteria provided, single submitter. Criteria: Athena Diagnostics Criteria. Collection method: clinical testing. Allele origin: unknown.

GeneDx
Classification: Benign. Last evaluated: 2018-09-06. Review status: criteria provided, single submitter. Criteria: GeneDx Variant Classification Process June 2021. Collection method: clinical testing. Allele origin: germline. Affected: yes.

Illumina Laboratory Services, Illumina
Classification: Benign for Collagen VI-related myopathy. Last evaluated: 2018-01-12. Review status: criteria provided, single submitter. Criteria: ICSL Variant Classification Criteria 13 December 2019. Collection method: clinical testing. Allele origin: germline.
Comment: This variant was observed in the ICSL laboratory as part of a predisposition screen in an ostensibly healthy population. It had not been previously curated by ICSL or reported in the Human Gene Mutation Database (HGMD: prior to June 1st, 2018), and was therefore a candidate for classification through an automated scoring system. Utilizing variant allele frequency, disease prevalence and penetrance estimates, and inheritance mode, an automated score was calculated to assess if this variant is too frequent to cause the disease. Based on the score and internal cut-off values, a variant classified as benign is not then subjected to further curation. The score for this variant resulted in a classification of benign for this disease.

Eurofins Ntd Llc (ga)
Classification: Benign. Last evaluated: 2012-10-16. Review status: criteria provided, single submitter. Criteria: EGL Classification Definitions 2015. Collection method: clinical testing. Allele origin: germline. Observed: 2 variant alleles, 2 heterozygotes.

Breakthrough Genomics
Classification: Benign. Review status: criteria provided, single submitter. Criteria: ACMG Guidelines, 2015. Collection method: not provided. Allele origin: germline. Inheritance: Autosomal recessive inheritance. Affected: yes.

Literature cited by the submitters: PubMed 32343762 (cited by Athena Diagnostics).

NM_004369.4(COL6A3):c.6972C>T (p.Asn2324=)

Gene: COL6A3 (collagen type VI alpha 3 chain; minus strand). Cytogenetic location: 2q37.3.
Variant type: single nucleotide variant.
Coding change: c.6972C>T on transcript NM_004369.4 (MANE Select); coding-DNA position 6972, C replaced by T.
Protein change: p.Asn2324=; no amino-acid change (asparagine 2324 retained).
Molecular consequence: synonymous variant.
Genome position (GRCh38, 1-based): chr2:237,347,864, G>A on the plus strand (C>T on the coding strand, the complement: COL6A3 is on the minus strand). VCF-style: chr2-237347864-G-A. GRCh37 (hg19) VCF-style: chr2-238256507-G-A.
Other names: c.5151C>T, p.Asn1717= (NM_057166.5); c.6354C>T, p.Asn2118= (NM_057167.4).
Identifiers: ClinVar variation 94976 (VCV000094976.27), dbSNP rs113961575, ClinGen allele CA148009.